The following is an entry in ClinVar:

NM_005560.6(LAMA5):c.6111C>T (p.Ser2037=)

Gene: LAMA5 (laminin subunit alpha 5; minus strand). Cytogenetic location: 20q13.33.
Variant type: single nucleotide variant.
Coding change: c.6111C>T on transcript NM_005560.6 (MANE Select); coding-DNA position 6111, C replaced by T.
Protein change: p.Ser2037=; no amino-acid change (serine 2037 retained).
Molecular consequence: synonymous variant.
Genome position (GRCh38, 1-based): chr20:62,322,712, G>A on the plus strand (C>T on the coding strand, the complement: LAMA5 is on the minus strand). VCF-style: chr20-62322712-G-A. GRCh37 (hg19) VCF-style: chr20-60897768-G-A.
Other names: c.6111C>T (NM_005560.4).
Identifiers: ClinVar variation 2905291 (VCV002905291.6), dbSNP rs769341323, ClinGen allele CA9941884.

ClinVar aggregate classification (germline): Likely benign. Review status: criteria provided, multiple submitters, no conflicts (2 of 4 stars). 3 submissions from 3 submitters: Likely benign (2). 1 of the submissions does not count toward it. Last evaluated 2024-03-05.

Conditions:
LAMA5-related disorder. Also called: LAMA5-Related Disorders; LAMA5-related condition.

gnomAD v4.1: 99 of 1,492,242 alleles (0.0066%); highest among the groups gnomAD compares: East Asian, 0.024%; no homozygotes.

Submissions (3):

Labcorp Genetics (formerly Invitae), Labcorp
Classification: Likely benign. Last evaluated: 2024-03-05. Review status: criteria provided, single submitter. Criteria: Invitae Variant Classification Sherloc (09022015). Collection method: clinical testing. Allele origin: germline.

Blueprint Genetics
Classification: Likely benign. Last evaluated: 2023-12-11. Review status: criteria provided, single submitter. Criteria: ACMG Guidelines, 2015. Collection method: clinical testing. Allele origin: germline.

PreventionGenetics, part of Exact Sciences
Classification: Likely benign for LAMA5-related condition. Last evaluated: 2019-08-14. Review status: no assertion criteria provided. Collection method: clinical testing. Allele origin: germline. Not counted in ClinVar's aggregate classification.
Comment: This variant is classified as likely benign based on ACMG/AMP sequence variant interpretation guidelines (Richards et al. 2015 PMID: 25741868, with internal and published modifications).